The following is an entry in ClinVar:

ClinVar aggregate classification (germline): Uncertain significance (1 of 4 stars; one submission).

Submission:

Labcorp Genetics (formerly Invitae), Labcorp
Classification: Uncertain significance. Last evaluated: 2022-02-14. Review status: criteria provided, single submitter. Criteria: Invitae Variant Classification Sherloc (09022015). Collection method: clinical testing. Allele origin: germline.
Comment: Algorithms developed to predict the effect of missense changes on protein structure and function are either unavailable or do not agree on the potential impact of this missense change (SIFT: "Tolerated"; PolyPhen-2: "Not Available"; Align-GVGD: "Class C0"). This variant has not been reported in the literature in individuals affected with ERCC6L2-related conditions. This variant is not present in population databases (gnomAD no frequency). This sequence change replaces serine, which is neutral and polar, with isoleucine, which is neutral and non-polar, at codon 972 of the ERCC6L2 protein (p.Ser972Ile). In summary, the available evidence is currently insufficient to determine the role of this variant in disease. Therefore, it has been classified as a Variant of Uncertain Significance.

NM_020207.7(ERCC6L2):c.2882G>T (p.Ser961Ile)

Gene: ERCC6L2 (ERCC excision repair 6 like 2; plus strand). Cytogenetic location: 9q22.32.
Variant type: single nucleotide variant.
Coding change: c.2882G>T on transcript NM_020207.7 (MANE Select); coding-DNA position 2882, G replaced by T.
Protein change: p.Ser961Ile; replaces serine 961 with isoleucine.
Molecular consequence: missense variant. On other transcripts: non-coding transcript variant (1).
Genome position (GRCh38, 1-based): chr9:95,972,633, G>T. VCF-style: chr9-95972633-G-T. GRCh37 (hg19) VCF-style: chr9-98734915-G-T.
Other names: c.2882G>T, p.Ser961Ile (NM_001375291.1, NM_001375292.1, NM_001375293.1 and 1 more transcripts); short protein forms S961I.
Identifiers: ClinVar variation 2097238 (VCV002097238.4), dbSNP rs2490556360, ClinGen allele CA2580080736.